The following is an entry in ClinVar:

ClinVar aggregate classification (germline): Uncertain significance (1 of 4 stars; one submission).

Allele frequency attached by ClinVar (database versions not stated): gnomAD exomes 0.00001.
gnomAD v4.1: 11 of 1,568,410 alleles (0.0007%); highest among the groups gnomAD compares: Non-Finnish European, 0.00086%; no homozygotes.

Submission:

Labcorp Genetics (formerly Invitae), Labcorp
Classification: Uncertain significance. Last evaluated: 2022-10-25. Review status: criteria provided, single submitter. Criteria: Invitae Variant Classification Sherloc (09022015). Collection method: clinical testing. Allele origin: germline.
Comment: This sequence change replaces isoleucine, which is neutral and non-polar, with valine, which is neutral and non-polar, at codon 36 of the CYFIP2 protein (p.Ile36Val). This variant is not present in population databases (gnomAD no frequency). This variant has not been reported in the literature in individuals affected with CYFIP2-related conditions. Algorithms developed to predict the effect of missense changes on protein structure and function are either unavailable or do not agree on the potential impact of this missense change (SIFT: "Tolerated"; PolyPhen-2: "Not Available"; Align-GVGD: "Class C0"). In summary, the available evidence is currently insufficient to determine the role of this variant in disease. Therefore, it has been classified as a Variant of Uncertain Significance.

NM_001037333.3(CYFIP2):c.106A>G (p.Ile36Val)

Gene: CYFIP2 (cytoplasmic FMR1 interacting protein 2; plus strand). Cytogenetic location: 5q33.3.
Variant type: single nucleotide variant.
Coding change: c.106A>G on transcript NM_001037333.3 (MANE Select); coding-DNA position 106, A replaced by G.
Protein change: p.Ile36Val; replaces isoleucine 36 with valine.
Molecular consequence: missense variant.
Genome position (GRCh38, 1-based): chr5:157,285,467, A>G. VCF-style: chr5-157285467-A-G. GRCh37 (hg19) VCF-style: chr5-156712477-A-G.
Other names: c.106A>G, p.Ile36Val (NM_001291721.2, NM_001291722.2, NM_014376.4); short protein forms I36V.
Identifiers: ClinVar variation 1993893 (VCV001993893.4), dbSNP rs1186118351, ClinGen allele CA361965374.